The following is an entry in ClinVar:

NM_006767.4(LZTR1):c.1024T>G (p.Cys342Gly)

Gene: LZTR1 (leucine zipper like post translational regulator 1; plus strand). Cytogenetic location: 22q11.21.
Variant type: single nucleotide variant.
Coding change: c.1024T>G on transcript NM_006767.4 (MANE Select); coding-DNA position 1024, T replaced by G.
Protein change: p.Cys342Gly; replaces cysteine 342 with glycine.
Molecular consequence: missense variant.
Genome position (GRCh38, 1-based): chr22:20,992,244, T>G. VCF-style: chr22-20992244-T-G. GRCh37 (hg19) VCF-style: chr22-21346533-T-G.
Other names: short protein forms C342G.
Identifiers: ClinVar variation 4615611 (VCV004615611.1).

ClinVar aggregate classification (germline): Uncertain significance (1 of 4 stars; one submission).

Conditions:
Cardiovascular phenotype. Identifiers: MedGen CN230736.
Hereditary cancer-predisposing syndrome. Also called: Neoplastic Syndromes, Hereditary; Tumor predisposition; Hereditary Cancer Syndrome; Hereditary neoplastic syndrome. Identifiers: Orphanet 140162, MedGen C0027672, MeSH D009386, MONDO:0015356.

Submission:

Ambry Genetics
Classification: Uncertain significance for Cardiovascular phenotype; Hereditary cancer-predisposing syndrome. Last evaluated: 2025-09-19. Review status: criteria provided, single submitter. Criteria: Ambry Variant Classification Scheme 2023. Collection method: clinical testing. Allele origin: germline.
Comment: The p.C342G variant (also known as c.1024T>G), located in coding exon 10 of the LZTR1 gene, results from a T to G substitution at nucleotide position 1024. The cysteine at codon 342 is replaced by glycine, an amino acid with highly dissimilar properties. This amino acid position is conserved. In addition, this alteration is predicted to be tolerated by in silico analysis. Based on the available evidence, the clinical significance of this variant remains unclear.